The following is an entry in ClinVar:

ClinVar aggregate classification (germline): Conflicting classifications of pathogenicity. Review status: criteria provided, conflicting classifications (1 of 4 stars). 2 submissions from 2 submitters: Likely pathogenic (1); Uncertain significance (1). Last evaluated 2024-01-28.

Conditions:
Inborn genetic diseases. Identifiers: MedGen C0950123, MeSH D030342.

Submissions (2):

GeneDx
Classification: Uncertain significance. Last evaluated: 2024-01-28. Review status: criteria provided, single submitter. Criteria: GeneDx Variant Classification Process June 2021. Collection method: clinical testing. Allele origin: germline. Affected: yes.
Comment: In silico analysis supports that this missense variant has a deleterious effect on protein structure/function; Not observed at significant frequency in large population cohorts (gnomAD); This variant is associated with the following publications: (PMID: 28152038, 35323929, 12673795)

Ambry Genetics
Classification: Likely pathogenic for Inborn genetic diseases. Last evaluated: 2018-01-23. Review status: criteria provided, single submitter. Criteria: Ambry exome assertion method (8-5-2015). Collection method: clinical testing. Allele origin: germline. Affected: yes. Observed: 1 variant allele.

Literature cited by the submitters: PubMed 12673795 (cited by Ambry Genetics).

NM_000489.6(ATRX):c.6406G>A (p.Asp2136Asn)

Gene: ATRX (ATRX chromatin remodeler; minus strand). Cytogenetic location: Xq21.1.
Variant type: single nucleotide variant.
Coding change: c.6406G>A on transcript NM_000489.6 (MANE Select); coding-DNA position 6406, G replaced by A.
Protein change: p.Asp2136Asn; replaces aspartic acid 2136 with asparagine.
Molecular consequence: missense variant.
Genome position (GRCh38, 1-based): chrX:77,558,767, C>T on the plus strand (G>A on the coding strand, the complement: ATRX is on the minus strand). VCF-style: chrX-77558767-C-T. GRCh37 (hg19) VCF-style: chrX-76814238-C-T.
Other names: c.6292G>A, p.Asp2098Asn (NM_138270.5); short protein forms D2098N, D2136N.
Identifiers: ClinVar variation 985028 (VCV000985028.7), dbSNP rs2064896365, ClinGen allele CA413699209.